The following is an entry in ClinVar:

ClinVar aggregate classification (germline): Uncertain significance (1 of 4 stars; one submission).

Conditions:
EGFR-related lung cancer (EGFR). Identifiers: MedGen CN130014.

Submission:

Labcorp Genetics (formerly Invitae), Labcorp
Classification: Uncertain significance for EGFR-related lung cancer. Last evaluated: 2022-05-09. Review status: criteria provided, single submitter. Criteria: Invitae Variant Classification Sherloc (09022015). Collection method: clinical testing. Allele origin: germline.
Comment: In summary, the available evidence is currently insufficient to determine the role of this variant in disease. Therefore, it has been classified as a Variant of Uncertain Significance. Algorithms developed to predict the effect of missense changes on protein structure and function output the following: SIFT: "Tolerated"; PolyPhen-2: "Benign"; Align-GVGD: "Class C0". The serine amino acid residue is found in multiple mammalian species, which suggests that this missense change does not adversely affect protein function. This variant has not been reported in the literature in individuals affected with EGFR-related conditions. This variant is not present in population databases (gnomAD no frequency). This sequence change replaces alanine, which is neutral and non-polar, with serine, which is neutral and polar, at codon 611 of the EGFR protein (p.Ala611Ser).

NM_005228.5(EGFR):c.1831G>T (p.Ala611Ser)

Gene: EGFR (epidermal growth factor receptor; plus strand). Cytogenetic location: 7p11.2.
Variant type: single nucleotide variant.
Coding change: c.1831G>T on transcript NM_005228.5 (MANE Select); coding-DNA position 1831, G replaced by T.
Protein change: p.Ala611Ser; replaces alanine 611 with serine.
Molecular consequence: missense variant.
Genome position (GRCh38, 1-based): chr7:55,165,388, G>T. VCF-style: chr7-55165388-G-T. GRCh37 (hg19) VCF-style: chr7-55233081-G-T.
Other names: c.1696G>T, p.Ala566Ser (NM_001346897.2, NM_001346899.2); c.1831G>T, p.Ala611Ser (NM_001346898.2, NM_201282.2, NM_201284.2); c.1672G>T, p.Ala558Ser (NM_001346900.2); c.1030G>T, p.Ala344Ser (NM_001346941.2); short protein forms A344S, A558S, A566S, A611S.
Identifiers: ClinVar variation 2120065 (VCV002120065.4), dbSNP rs201061916, ClinGen allele CA367581025.